The following is an entry in ClinVar:

NM_152384.3(BBS5):c.888G>A (p.Thr296=)

Gene: BBS5 (Bardet-Biedl syndrome 5; plus strand). Cytogenetic location: 2q31.1.
Variant type: single nucleotide variant.
Coding change: c.888G>A on transcript NM_152384.3 (MANE Select); coding-DNA position 888, G replaced by A.
Protein change: p.Thr296=; no amino-acid change (threonine 296 retained).
Molecular consequence: synonymous variant.
Genome position (GRCh38, 1-based): chr2:169,503,166, G>A. VCF-style: chr2-169503166-G-A. GRCh37 (hg19) VCF-style: chr2-170359676-G-A.
Other names: c.888G>A (NM_152384.2).
Identifiers: ClinVar variation 1045268 (VCV001045268.10), dbSNP rs777702222, ClinGen allele CA1956352.
Genomic context (GRCh38, chr2:169,503,166, plus strand): 5'-CGAAGCTCTGACAGTCGAACAAATTCAAGATGATGTAGAAATAGACTCTGATGGTCACAC[G>A]GATGCTTTTGTGGTGAGCATCACAAAGGACAGCATTAAATTTCTTAAGGATTTTATCTCA-3'
Protein context (NP_689597.1, residues 286-306): DDVEIDSDGH[Thr296=]DAFVAYFADG

ClinVar aggregate classification (germline): Likely benign. Review status: criteria provided, single submitter (1 of 4 stars). 2 submissions from 2 submitters: Likely benign (1). 1 of the submissions does not count toward it. Last evaluated 2024-10-19.

Conditions:
Bardet-Biedl syndrome (BBS). Identifiers: Orphanet 110, MedGen C0752166, MONDO:0015229.
BBS5-related disorder. Also called: BBS5-related condition.

Allele frequency attached by ClinVar (database versions not stated): TOPMed below 0.00001; ExAC 0.00001; gnomAD 0.00001; gnomAD exomes 0.00001 and 0.00002.

Submissions (2):

Labcorp Genetics (formerly Invitae), Labcorp
Classification: Likely benign for Bardet-Biedl syndrome. Last evaluated: 2024-10-19. Review status: criteria provided, single submitter. Criteria: Invitae Variant Classification Sherloc (09022015). Collection method: clinical testing. Allele origin: germline.

PreventionGenetics, part of Exact Sciences
Classification: Likely benign for BBS5-related condition. Last evaluated: 2023-11-30. Review status: no assertion criteria provided. Collection method: clinical testing. Allele origin: germline. Not counted in ClinVar's aggregate classification.
Comment: This variant is classified as likely benign based on ACMG/AMP sequence variant interpretation guidelines (Richards et al. 2015 PMID: 25741868, with internal and published modifications).